The following is an entry in ClinVar:

NM_001136017.3(CCND3):c.-45-16836C>T

Gene: CCND3 (cyclin D3; minus strand). Cytogenetic location: 6p21.1.
Variant type: single nucleotide variant.
Coding change: c.-45-16836C>T on transcript NM_001136017.3; 16836 bases into the intron before 45 bases upstream of the start codon, C replaced by T.
Molecular consequence: intron variant.
Genome position (GRCh38, 1-based): chr6:41,957,421, G>A on the plus strand (C>T on the coding strand, the complement: CCND3 is on the minus strand). VCF-style: chr6-41957421-G-A. GRCh37 (hg19) VCF-style: chr6-41925159-G-A.
Other names: c.-174-20027C>T (NM_001424057.1, NM_001136126.3, NM_001287434.2); c.-45-16836C>T (NM_001424053.1, NM_001424055.1); c.-58-20027C>T (NM_001424058.1); c.-274-16836C>T (NM_001424061.1).
Identifiers: ClinVar variation 1282713 (VCV001282713.3), dbSNP rs9349205, ClinGen allele CA15457603.

ClinVar aggregate classification (germline): Benign (1 of 4 stars; one submission).

Allele frequency attached by ClinVar (database versions not stated): 1000 Genomes Project 30x 0.14991; 1000 Genomes Project 0.15116; TOPMed 0.16561; gnomAD 0.17633.
gnomAD v4.1: 26,891 of 152,138 alleles (18%); highest among the groups gnomAD compares: East Asian, 27%; 2,977 homozygotes.

Submission:

GeneDx
Classification: Benign. Last evaluated: 2021-02-23. Review status: criteria provided, single submitter. Criteria: GeneDx Variant Classification Process June 2021. Collection method: clinical testing. Allele origin: germline. Affected: yes.
Comment: This variant is associated with the following publications: (PMID: 22929040)